The following is an entry in ClinVar:

NM_000512.5:c.567_1002dup

Gene: GALNS (galactosamine (N-acetyl)-6-sulfatase; minus strand).
Variant type: Duplication.
Other names: c.567_1002dup (NM_000512.5).
Identifiers: ClinVar variation 1048409 (VCV001048409.3).

ClinVar aggregate classification (germline): Likely pathogenic (1 of 4 stars; one submission).

Conditions:
Mucopolysaccharidosis, MPS-IV-A (MPS4A). Also called: Mucopolysaccharidosis type IV A; Mucopolysaccharidosis Type IVA; Morquio syndrome A, mild; MORQUIO SYNDROME A; MPS IVA; mucopolysaccharidosis type 4A. Identifiers: Orphanet 309297, Orphanet 582, MedGen C0086651, MONDO:0009659, OMIM 253000.

Submission:

Laboratory of Diagnosis and Therapy of Lysosomal Disorders, University of Padova
Classification: Likely pathogenic for Mucopolysaccharidosis, MPS-IV-A. Last evaluated: 2021-02-01. Review status: criteria provided, single submitter. Criteria: ACMG Guidelines, 2015. Collection method: curation. Allele origin: germline. Affected: yes.
Comment: Frameshift variant (PVS1_very strong); absent from gnomAD v2.1.1 (PM2_moderate)

Literature cited by the submitters: PubMed 29620724; PubMed 34387910.